The following is an entry in ClinVar:

ClinVar aggregate classification (germline): Benign. Review status: criteria provided, multiple submitters, no conflicts (2 of 4 stars). 2 submissions from 2 submitters: Benign (2). Last evaluated 2018-06-14.

Allele frequency attached by ClinVar (database versions not stated): 1000 Genomes Project 0.84425; 1000 Genomes Project 30x 0.84510; TOPMed 0.90187; gnomAD 0.91705.
gnomAD v4.1: 1,279,310 of 1,371,380 alleles (93%); highest among the groups gnomAD compares: Middle Eastern, 98%; 600,517 homozygotes.

Submissions (2):

GeneDx
Classification: Benign. Last evaluated: 2018-06-14. Review status: criteria provided, single submitter. Criteria: GeneDx Variant Classification (06012015). Collection method: clinical testing. Allele origin: germline. Affected: yes.
Comment: This variant is considered likely benign or benign based on one or more of the following criteria: it is a conservative change, it occurs at a poorly conserved position in the protein, it is predicted to be benign by multiple in silico algorithms, and/or has population frequency not consistent with disease.

Breakthrough Genomics
Classification: Benign. Review status: criteria provided, single submitter. Criteria: ACMG Guidelines, 2015. Collection method: not provided. Allele origin: germline. Inheritance: Autosomal recessive inheritance. Affected: yes.

NM_001013703.4(EIF2AK4):c.859+55A>G

Gene: EIF2AK4 (eukaryotic translation initiation factor 2 alpha kinase 4; plus strand). Cytogenetic location: 15q15.1.
Variant type: single nucleotide variant.
Coding change: c.859+55A>G on transcript NM_001013703.4 (MANE Select); 55 bases into the intron after coding-DNA position 859, A replaced by G.
Molecular consequence: intron variant.
Genome position (GRCh38, 1-based): chr15:39,961,954, A>G. VCF-style: chr15-39961954-A-G. GRCh37 (hg19) VCF-style: chr15-40254155-A-G.
Identifiers: ClinVar variation 674640 (VCV000674640.2), dbSNP rs510949, ClinGen allele CA15843619.